The following is an entry in ClinVar:

ClinVar aggregate classification (germline): Uncertain significance. Review status: criteria provided, multiple submitters, no conflicts (2 of 4 stars). 3 submissions from 3 submitters: Uncertain significance (2). 1 of the submissions does not count toward it. Last evaluated 2026-07-09.

Conditions:
Prostate cancer, hereditary, 1 (HPC1). Identifiers: Orphanet 1331, MedGen C4722327, MONDO:0011098, OMIM 601518.
Hereditary cancer-predisposing syndrome. Also called: Tumor predisposition; Hereditary Cancer Syndrome; Neoplastic Syndromes, Hereditary; Hereditary neoplastic syndrome. Identifiers: Orphanet 140162, MedGen C0027672, MeSH D009386, MONDO:0015356.

Allele frequency attached by ClinVar (database versions not stated): TOPMed below 0.00001.

Submissions (3):

Ambry Genetics
Classification: Uncertain significance for Hereditary cancer-predisposing syndrome. Last evaluated: 2026-07-09. Review status: criteria provided, single submitter. Criteria: Ambry Variant Classification Scheme 2023. Collection method: clinical testing. Allele origin: germline.
Comment: The p.P158S variant (also known as c.472C>T), located in coding exon 1 of the HOXB13 gene, results from a C to T substitution at nucleotide position 472. The proline at codon 158 is replaced by serine, an amino acid with similar properties. This amino acid position is conserved. In addition, the in silico prediction for this alteration is inconclusive. Based on the available evidence, the clinical significance of this variant remains unclear.

GeneDx
Classification: Uncertain significance. Last evaluated: 2023-01-25. Review status: criteria provided, single submitter. Criteria: GeneDx Variant Classification Process June 2021. Collection method: clinical testing. Allele origin: germline. Affected: yes.
Comment: Not observed at significant frequency in large population cohorts (gnomAD); In silico analysis supports that this missense variant has a deleterious effect on protein structure/function; Has not been previously published as pathogenic or benign to our knowledge

Laboratory of Virology, Microbiology,  Quality and Medical Biotechnologies, Faculty of Sciences and Techniques - Mohammedia, Hassan II University of Casablanca
Classification: Uncertain significance for Prostate cancer, hereditary, 1. Review status: no assertion criteria provided. Collection method: clinical testing. Allele origin: somatic. Affected: yes. Not counted in ClinVar's aggregate classification.

NM_006361.6(HOXB13):c.472C>T (p.Pro158Ser)

Gene: HOXB13 (homeobox B13; minus strand). Cytogenetic location: 17q21.32.
Variant type: single nucleotide variant.
Coding change: c.472C>T on transcript NM_006361.6 (MANE Select); coding-DNA position 472, C replaced by T.
Protein change: p.Pro158Ser; replaces proline 158 with serine.
Molecular consequence: missense variant.
Genome position (GRCh38, 1-based): chr17:48,728,122, G>A on the plus strand (C>T on the coding strand, the complement: HOXB13 is on the minus strand). VCF-style: chr17-48728122-G-A. GRCh37 (hg19) VCF-style: chr17-46805484-G-A.
Other names: short protein forms P158S.
Identifiers: ClinVar variation 690785 (VCV000690785.4), dbSNP rs1597934105, ClinGen allele CA400107384.
Genomic context (GRCh38, chr17:48,728,122, plus strand): 5'-AGCCACCAGCGAGAGCCCAAGACTGGTAACTGTCCACAGGCAACAGGGAGTCATGTCGCG[G>A]TTCTCCAGGAGCACCCAGAGTCTGCACCACAGACACGTCCAGGTAACTGGCCATAGGCTG-3'
Protein context (NP_006352.2, residues 148-168): VVQTLGAPGE[Pro158Ser]RHDSLLPVDS